The following is an entry in ClinVar:

NM_031885.5(BBS2):c.1094G>A (p.Ser365Asn)

Gene: BBS2 (Bardet-Biedl syndrome 2; minus strand). Cytogenetic location: 16q13.
Variant type: single nucleotide variant.
Coding change: c.1094G>A on transcript NM_031885.5 (MANE Select); coding-DNA position 1094, G replaced by A.
Protein change: p.Ser365Asn; replaces serine 365 with asparagine.
Molecular consequence: missense variant. On other transcripts: non-coding transcript variant (5).
Genome position (GRCh38, 1-based): chr16:56,501,484, C>T on the plus strand (G>A on the coding strand, the complement: BBS2 is on the minus strand). VCF-style: chr16-56501484-C-T. GRCh37 (hg19) VCF-style: chr16-56535396-C-T.
Other names: c.1094G>A, p.Ser365Asn (NM_001377456.1); short protein forms S365N.
Identifiers: ClinVar variation 4983443 (VCV004983443.1).
Genomic context (GRCh38, chr16:56,501,484, plus strand): 5'-GTGTGGAGCCTGGTATTGGCTGGGATTATGCCCCGATGCCCATCAGCCTCGTTCAGTGGA[C>T]TGGCCAATTCAGCCTGCAAAACACCCCACCCATTTCCTACTCAGTCACCAAAACACTGAA-3'
Protein context (NP_114091.4, residues 355-375): YEENAKAELA[Ser365Asn]PLNEADGHRG

ClinVar aggregate classification (germline): Uncertain significance (1 of 4 stars; one submission).

Conditions:
BBS2-related disorder. Also called: BBS2-related disorders; BBS2-related condition. Identifiers: MedGen CN239228.

gnomAD v4.1: 2 of 1,614,184 alleles (0.00012%); highest among the groups gnomAD compares: African/African-American, 0.0027%; no homozygotes.

Submission:

PreventionGenetics, part of Exact Sciences
Classification: Uncertain significance for BBS2-related condition. Last evaluated: 2025-02-18. Review status: criteria provided, single submitter. Criteria: ACMG Guidelines, 2015. Collection method: clinical testing. Allele origin: germline.
Comment: The BBS2 c.1094G>A variant is predicted to result in the amino acid substitution p.Ser365Asn. To our knowledge, this variant has not been reported in the literature. This variant is reported in 0.0062% of alleles in individuals of African descent in gnomAD. At this time, the clinical significance of this variant is uncertain due to the absence of conclusive functional and genetic evidence.